The following is an entry in ClinVar:

ClinVar aggregate classification (germline): Benign/Likely benign. Review status: criteria provided, single submitter (1 of 4 stars). 5 submissions from 1 submitter: Benign (4); Likely benign (1). Last evaluated 2018-01-13.

Conditions:
Anophthalmia-microphthalmia syndrome. Also called: Anophthalmia/Microphthalmia; Anophthalmia - microphthalmia. Identifiers: Orphanet 98555, MedGen C5680330, MONDO:0020147.
11p partial monosomy syndrome (WAGR). Also called: WAGR Complex; CHROMOSOME 11p13 DELETION SYNDROME; WAGR syndrome; WAGR Spectrum Disorder. Identifiers: Orphanet 893, MedGen C0206115, MONDO:0008681, OMIM 194072.
Autosomal dominant keratitis. Also called: Keratitis, hereditary. Identifiers: Orphanet 2334, MedGen C1835698, MONDO:0007848, OMIM 148190.
Foveal hypoplasia 1. Also called: FOVEAL HYPOPLASIA 1 WITH OR WITHOUT ANTERIOR SEGMENT ANOMALIES AND/OR CATARACT; FOVEAL HYPOPLASIA 1 WITH ANTERIOR SEGMENT ANOMALIES. Identifiers: Orphanet 2253, MedGen C3805604, MONDO:0007628, OMIM 136520.
carboxymethyl-dextran-A2-gadolinium-DOTA.

Allele frequency attached by ClinVar (database versions not stated): gnomAD exomes 0.00023; gnomAD 0.00148 and 0.00147; 1000 Genomes Project 30x 0.00281; TOPMed 0.00168; 1000 Genomes Project 0.00280.
gnomAD v4.1: 240 of 223,690 alleles (0.11%); highest among the groups gnomAD compares: African/African-American, 0.47%; no homozygotes.

Submissions (5):

Illumina Laboratory Services, Illumina
Classification: Benign for Wilms tumor, aniridia, genitourinary anomalies, and mental retardation syndrome. Last evaluated: 2018-01-13. Review status: criteria provided, single submitter. Criteria: ICSL Variant Classification Criteria 13 December 2019. Collection method: clinical testing. Allele origin: germline.
Comment: This variant was observed in the ICSL laboratory as part of a predisposition screen in an ostensibly healthy population. It had not been previously curated by ICSL or reported in the Human Gene Mutation Database (HGMD: prior to June 1st, 2018), and was therefore a candidate for classification through an automated scoring system. Utilizing variant allele frequency, disease prevalence and penetrance estimates, and inheritance mode, an automated score was calculated to assess if this variant is too frequent to cause the disease. Based on the score and internal cut-off values, a variant classified as benign is not then subjected to further curation. The score for this variant resulted in a classification of benign for this disease.

Illumina Laboratory Services, Illumina
Classification: Benign for Autosomal dominant keratitis. Last evaluated: 2018-01-13. Review status: criteria provided, single submitter. Criteria: ICSL Variant Classification Criteria 13 December 2019. Collection method: clinical testing. Allele origin: germline.
Comment: the same text as in the submission from Illumina Laboratory Services, Illumina above.

Illumina Laboratory Services, Illumina
Classification: Benign for carboxymethyl-dextran-A2-gadolinium-DOTA. Last evaluated: 2018-01-13. Review status: criteria provided, single submitter. Criteria: ICSL Variant Classification Criteria 13 December 2019. Collection method: clinical testing. Allele origin: germline.
Comment: the same text as in the submission from Illumina Laboratory Services, Illumina above.

Illumina Laboratory Services, Illumina
Classification: Benign for Foveal hypoplasia 1. Last evaluated: 2018-01-13. Review status: criteria provided, single submitter. Criteria: ICSL Variant Classification Criteria 13 December 2019. Collection method: clinical testing. Allele origin: germline.
Comment: the same text as in the submission from Illumina Laboratory Services, Illumina above.

Illumina Laboratory Services, Illumina
Classification: Likely benign for Anophthalmia-microphthalmia syndrome. Last evaluated: 2018-01-13. Review status: criteria provided, single submitter. Criteria: ICSL Variant Classification Criteria 13 December 2019. Collection method: clinical testing. Allele origin: germline.
Comment: This variant was observed in the ICSL laboratory as part of a predisposition screen in an ostensibly healthy population. It had not been previously curated by ICSL or reported in the Human Gene Mutation Database (HGMD: prior to June 1st, 2018), and was therefore a candidate for classification through an automated scoring system. Utilizing variant allele frequency, disease prevalence and penetrance estimates, and inheritance mode, an automated score was calculated to assess if this variant is too frequent to cause the disease. Based on the score and internal cut-off values, a variant classified as likely benign is not then subjected to further curation. The score for this variant resulted in a classification of likely benign for this disease.

NM_000280.4(PAX6):c.*1436G>A

Genes: ELP4 (elongator acetyltransferase complex subunit 4; plus strand), PAX6 (paired box 6; minus strand). Cytogenetic location: 11p13.
Variant type: single nucleotide variant.
Coding change: c.*1436G>A on transcript NM_000280.4; 1436 bases downstream of the stop codon, G replaced by A.
Molecular consequence: 3 prime UTR variant (on NM_019040.5).
Genome position (GRCh38, 1-based): chr11:31,788,498, C>T on the plus strand (G>A on the coding strand, the complement: PAX6 is on the minus strand). VCF-style: chr11-31788498-C-T. GRCh37 (hg19) VCF-style: chr11-31810046-C-T.
Other names: c.*4960C>T (NM_001288725.2); c.*5069C>T (NM_001288726.2); c.*4974C>T (NM_019040.5).
Identifiers: ClinVar variation 879034 (VCV000879034.6), dbSNP rs138035131, ClinGen allele CA219478099.
Genomic context (GRCh38, chr11:31,788,498, plus strand): 5'-CTCTTGTGCAAAGGGGAGGGAGACAGAAAAGGGAGAGGGCCTATTTGAAAAAGGCAACAG[C>T]TTTCAGAAAGTCTCCTTTAAGAAATCTACTTTTGAATATACTTCAGTGAAATCATTGTTG-3'